The following is an entry in ClinVar:

NM_020693.4(DSCAML1):c.472G>A (p.Val158Ile)

Gene: DSCAML1 (DS cell adhesion molecule like 1; minus strand). Cytogenetic location: 11q23.3.
Variant type: single nucleotide variant.
Coding change: c.472G>A on transcript NM_020693.4 (MANE Select); coding-DNA position 472, G replaced by A.
Protein change: p.Val158Ile; replaces valine 158 with isoleucine.
Molecular consequence: missense variant.
Genome position (GRCh38, 1-based): chr11:117,776,830, C>T on the plus strand (G>A on the coding strand, the complement: DSCAML1 is on the minus strand). VCF-style: chr11-117776830-C-T. GRCh37 (hg19) VCF-style: chr11-117647545-C-T.
Other names: c.652G>A (NM_020693.2); c.472G>A, p.Val158Ile (NM_001367904.1); c.64G>A, p.Val22Ile (NM_001367905.1); short protein forms V158I, V22I.
Identifiers: ClinVar variation 1895679 (VCV001895679.6), dbSNP rs779516792, ClinGen allele CA6297560.

ClinVar aggregate classification (germline): Uncertain significance. Review status: criteria provided, multiple submitters, no conflicts (2 of 4 stars). 2 submissions from 2 submitters: Uncertain significance (2). Last evaluated 2023-11-27.

Allele frequency attached by ClinVar (database versions not stated): gnomAD exomes 0.00003; TOPMed 0.00003; gnomAD 0.00004; ExAC 0.00008.
gnomAD v4.1: 54 of 1,614,040 alleles (0.0033%); highest among the groups gnomAD compares: Admixed American, 0.018%; 1 homozygote.

Submissions (2):

Labcorp Genetics (formerly Invitae), Labcorp
Classification: Uncertain significance. Last evaluated: 2023-11-27. Review status: criteria provided, single submitter. Criteria: Invitae Variant Classification Sherloc (09022015). Collection method: clinical testing. Allele origin: germline.
Comment: This sequence change replaces valine, which is neutral and non-polar, with isoleucine, which is neutral and non-polar, at codon 218 of the DSCAML1 protein (p.Val218Ile). This variant is present in population databases (rs779516792, gnomAD 0.02%). This variant has not been reported in the literature in individuals affected with DSCAML1-related conditions. ClinVar contains an entry for this variant (Variation ID: 1895679). An algorithm developed to predict the effect of missense changes on protein structure and function (PolyPhen-2) suggests that this variant is likely to be disruptive. In summary, the available evidence is currently insufficient to determine the role of this variant in disease. Therefore, it has been classified as a Variant of Uncertain Significance.

Ambry Genetics
Classification: Uncertain significance. Last evaluated: 2023-02-28. Review status: criteria provided, single submitter. Criteria: Ambry Variant Classification Scheme 2023. Collection method: clinical testing. Allele origin: germline.